The following is an entry in ClinVar:

NM_000142.5(FGFR3):c.1733C>T (p.Ser578Phe)

Gene: FGFR3 (fibroblast growth factor receptor 3; plus strand). Cytogenetic location: 4p16.3.
Variant type: single nucleotide variant.
Coding change: c.1733C>T on transcript NM_000142.5 (MANE Select); coding-DNA position 1733, C replaced by T.
Protein change: p.Ser578Phe; replaces serine 578 with phenylalanine.
Molecular consequence: missense variant. On other transcripts: non-coding transcript variant (1).
Genome position (GRCh38, 1-based): chr4:1,805,837, C>T. VCF-style: chr4-1805837-C-T. GRCh37 (hg19) VCF-style: chr4-1807564-C-T.
Other names: c.1739C>T, p.Ser580Phe (NM_001163213.2); c.1736C>T, p.Ser579Phe (NM_001354809.2, NM_001354810.2); c.1397C>T, p.Ser466Phe (NM_022965.4); short protein forms S578F, S580F, S466F, S579F.
Identifiers: ClinVar variation 465347 (VCV000465347.15), dbSNP rs989826317, ClinGen allele CA2810557.

ClinVar aggregate classification (germline): Conflicting classifications of pathogenicity. Review status: criteria provided, conflicting classifications (1 of 4 stars). 4 submissions from 4 submitters: Uncertain significance (3); Likely benign (1). Last evaluated 2026-06-23.

Conditions:
FGFR3-related chondrodysplasia. Identifiers: Orphanet 93420, MedGen C5681604, MONDO:0019685.
FGFR3-related disorder. Also called: FGFR3-related disorders.

Allele frequency attached by ClinVar (database versions not stated): gnomAD exomes 0.00003 and 0.00010; gnomAD 0.00005 and 0.00006; TOPMed 0.00005; ExAC 0.00017.
gnomAD v4.1: 49 of 1,612,420 alleles (0.003%); highest among the groups gnomAD compares: African/African-American, 0.004%; no homozygotes.

Submissions (4):

Genomenon, Inc
Classification: Uncertain significance for FGFR3-related chondrodysplasia. Last evaluated: 2026-06-23. Review status: criteria provided, single submitter. Criteria: Genomenon Sequence Variant Interpretation Standards - Updated. Collection method: curation. Allele origin: germline. Affected: no.
Comment: FGFR3 p.Ser578Phe (c.1733C>T) is a missense variant that changes the amino acid at codon 578 from Serine to Phenylalanine. This variant has been reported in the published literature (PMID:36479692). It is absent or not present at a significant frequency in gnomAD. In silico models predict that this variant is possibly or probably damaging. In conclusion, we classify FGFR3 p.Ser578Phe (c.1733C>T) as a variant of uncertain significance.

PreventionGenetics, part of Exact Sciences
Classification: Uncertain significance for FGFR3-related condition. Last evaluated: 2026-05-26. Review status: criteria provided, single submitter. Criteria: ACMG Guidelines, 2015. Collection method: clinical testing. Allele origin: germline.
Comment: The FGFR3 c.1733C>T variant is predicted to result in the amino acid substitution p.Ser578Phe. To our knowledge, this variant has not been reported in the literature. This variant is reported in 0.017% of alleles in individuals of European (Non-Finnish) descent in gnomAD. At this time, the clinical significance of this variant is uncertain due to the absence of conclusive functional and genetic evidence.

Labcorp Genetics (formerly Invitae), Labcorp
Classification: Uncertain significance. Last evaluated: 2024-05-20. Review status: criteria provided, single submitter. Criteria: Invitae Variant Classification Sherloc (09022015). Collection method: clinical testing. Allele origin: germline.
Comment: This sequence change replaces serine, which is neutral and polar, with phenylalanine, which is neutral and non-polar, at codon 578 of the FGFR3 protein (p.Ser578Phe). This variant is present in population databases (no rsID available, gnomAD 0.02%). This variant has not been reported in the literature in individuals affected with FGFR3-related conditions. ClinVar contains an entry for this variant (Variation ID: 465347). Advanced modeling of protein sequence and biophysical properties (such as structural, functional, and spatial information, amino acid conservation, physicochemical variation, residue mobility, and thermodynamic stability) has been performed at Invitae for this missense variant, however the output from this modeling did not meet the statistical confidence thresholds required to predict the impact of this variant on FGFR3 protein function. In summary, the available evidence is currently insufficient to determine the role of this variant in disease. Therefore, it has been classified as a Variant of Uncertain Significance.

GeneDx
Classification: Likely benign. Last evaluated: 2020-06-18. Review status: criteria provided, single submitter. Criteria: GeneDx Variant Classification Process June 2021. Collection method: clinical testing. Allele origin: germline. Affected: yes.
Comment: In silico analysis supports that this missense variant has a deleterious effect on protein structure/function; Has not been previously published as pathogenic or benign to our knowledge

Literature cited by the submitters: PubMed 36479692 (cited by Genomenon, Inc).